The following is an entry in ClinVar:

ClinVar aggregate classification (germline): Uncertain significance (1 of 4 stars; one submission).

Conditions:
Congenital myotonia, autosomal dominant form (THD). Also called: THOMSEN DISEASE; Myotonia congenita autosomal dominant. Identifiers: Orphanet 614, MedGen C2936781, MONDO:0008055, OMIM 160800.
Congenital myotonia, autosomal recessive form. Also called: BECKER DISEASE; Becker Generalized Myotonia; myotonia congenita, autosomal recessive. Identifiers: Orphanet 614, MedGen C0751360, MONDO:0009715, OMIM 255700.

Submission:

Labcorp Genetics (formerly Invitae), Labcorp
Classification: Uncertain significance for Congenital myotonia, autosomal recessive form; Congenital myotonia, autosomal dominant form. Last evaluated: 2018-11-02. Review status: criteria provided, single submitter. Criteria: Invitae Variant Classification Sherloc (09022015). Collection method: clinical testing. Allele origin: germline.
Comment: This sequence change replaces leucine with arginine at codon 497 of the CLCN1 protein (p.Leu497Arg). The leucine residue is highly conserved and there is a moderate physicochemical difference between leucine and arginine. This variant is not present in population databases (ExAC no frequency). This variant has not been reported in the literature in individuals with CLCN1-related disease. Algorithms developed to predict the effect of missense changes on protein structure and function are either unavailable or do not agree on the potential impact of this missense change (SIFT: "Deleterious"; PolyPhen-2: "Probably Damaging"; Align-GVGD: "Class C0"). In summary, the available evidence is currently insufficient to determine the role of this variant in disease. Therefore, it has been classified as a Variant of Uncertain Significance.

NM_000083.3(CLCN1):c.1490T>G (p.Leu497Arg)

Gene: CLCN1 (chloride voltage-gated channel 1; plus strand). Cytogenetic location: 7q34.
Variant type: single nucleotide variant.
Coding change: c.1490T>G on transcript NM_000083.3 (MANE Select); coding-DNA position 1490, T replaced by G.
Protein change: p.Leu497Arg; replaces leucine 497 with arginine.
Molecular consequence: missense variant. On other transcripts: non-coding transcript variant (1).
Genome position (GRCh38, 1-based): chr7:143,339,529, T>G. VCF-style: chr7-143339529-T-G. GRCh37 (hg19) VCF-style: chr7-143036622-T-G.
Other names: short protein forms L497R.
Identifiers: ClinVar variation 656535 (VCV000656535.1), dbSNP rs1586507943, ClinGen allele CA369645589.